The following is an entry in ClinVar:

NM_000277.3(PAH):c.689T>G (p.Val230Gly)

Gene: PAH (phenylalanine hydroxylase; minus strand). Cytogenetic location: 12q23.2.
Variant type: single nucleotide variant.
Coding change: c.689T>G on transcript NM_000277.3 (MANE Select); coding-DNA position 689, T replaced by G.
Protein change: p.Val230Gly; replaces valine 230 with glycine.
Molecular consequence: missense variant.
Genome position (GRCh38, 1-based): chr12:102,855,153, A>C on the plus strand (T>G on the coding strand, the complement: PAH is on the minus strand). VCF-style: chr12-102855153-A-C. GRCh37 (hg19) VCF-style: chr12-103248931-A-C.
Other names: NM_000277.1(PAH):c.689T>G; p.Val230Gly; c.689T>G, p.Val230Gly (NM_001354304.2); short protein forms V230G.
Identifiers: ClinVar variation 102785 (VCV000102785.3), dbSNP rs199475673, ClinGen allele CA229692.
Genomic context (GRCh38, chr12:102,855,153, plus strand): 5'-CCCCCAACTTTCTGCAGGGCCATTGACCCTGATGTGGACTTACTCTGCAGGAACTGAGAA[A>C]CGTCTTCCAGCTGGGGAATGTTATCTTCATGGAAGCCACAGTACTTTTCAAGAAGTGGAA-3'
Protein context (NP_000268.1, residues 220-240): HEDNIPQLED[Val230Gly]SQFLQTCTGF

ClinVar aggregate classification (germline): Uncertain significance. Review status: reviewed by expert panel (3 of 4 stars). 3 submissions from 3 submitters: Uncertain significance (1). 2 of the submissions do not count toward it. Last evaluated 2020-08-20.

Conditions:
Phenylketonuria (PKU). Also called: Phenylketonuria (PKU); FOLLING DISEASE; OLIGOPHRENIA PHENYLPYRUVICA; Phenylketonurias. Identifiers: Orphanet 716, MedGen C0031485, MONDO:0009861, OMIM 261600. Disease mechanism: loss of function.

gnomAD v4.1: 1 of 1,614,042 alleles (0.000062%); highest among the groups gnomAD compares: African/African-American, 0.0013%; no homozygotes.

Submissions (3):

ClinGen PAH Variant Curation Expert Panel
Classification: Uncertain significance for Phenylketonuria. Last evaluated: 2020-08-20. Review status: reviewed by expert panel. Criteria: ClinGen PAH ACMG Specifications v1. Collection method: curation. Allele origin: germline. Inheritance: Autosomal recessive inheritance.
Comment: The c.689T>G (p.Val230Gly) variant in PAH was reported to the McGill PAHdb by Carducci in 1999, but has not been found in the literature. This variant is absent in population databases. Multiple lines of computational evidence support a deleterious effect. In summary, this variant meets criteria to be classified as uncertain significance for PAH. PAH-specific ACMG/AMP criteria applied: PM2, PP3.

Myriad Genetics, Inc.
Classification: Uncertain significance for Phenylketonuria. Last evaluated: 2026-01-23. Review status: criteria provided, single submitter. Criteria: Myriad Autosomal Dominant, Autosomal Recessive and X-Linked Classification Criteria (2023). Collection method: clinical testing. Allele origin: unknown. Not counted in ClinVar's aggregate classification.
Comment: NM_000277.1(PAH):c.689T>G(V230G) is a missense variant classified as a variant of uncertain significance in the context of phenylalanine hydroxylase deficiency. V230G has not been observed in cases with relevant disease. Relevant functional assessments of this variant are not available in the literature. V230G has not been observed in referenced population frequency databases. In summary, there is insufficient evidence to classify NM_000277.1(PAH):c.689T>G(V230G) as pathogenic or benign. Please note: this variant was assessed in the context of healthy population screening.

DeBelle Laboratory for Biochemical Genetics, MUHC/MCH RESEARCH INSTITUTE
No classification provided. Review status: no classification provided. Collection method: not provided. Allele origin: not provided. Not counted in ClinVar's aggregate classification.